The following is an entry in ClinVar:

ClinVar aggregate classification (germline): Uncertain significance. Review status: criteria provided, multiple submitters, no conflicts (2 of 4 stars). 2 submissions from 2 submitters: Uncertain significance (2). Last evaluated 2024-11-09.

Conditions:
Inborn genetic diseases. Identifiers: MedGen C0950123, MeSH D030342.
Beckwith-Wiedemann syndrome (BWS). Also called: Exomphalos macroglossia gigantism syndrome; EMG SYNDROME. Identifiers: Orphanet 116, MedGen C0004903, MONDO:0007534, OMIM 130650.

Allele frequency attached by ClinVar (database versions not stated): gnomAD exomes below 0.00001.

Submissions (2):

Ambry Genetics
Classification: Uncertain significance for Inborn genetic diseases. Last evaluated: 2024-11-09. Review status: criteria provided, single submitter. Criteria: Ambry Variant Classification Scheme 2023. Collection method: clinical testing. Allele origin: germline.

Labcorp Genetics (formerly Invitae), Labcorp
Classification: Uncertain significance for Beckwith-Wiedemann syndrome. Last evaluated: 2022-12-23. Review status: criteria provided, single submitter. Criteria: Invitae Variant Classification Sherloc (09022015). Collection method: clinical testing. Allele origin: germline.
Comment: In summary, the available evidence is currently insufficient to determine the role of this variant in disease. Therefore, it has been classified as a Variant of Uncertain Significance. Advanced modeling of protein sequence and biophysical properties (such as structural, functional, and spatial information, amino acid conservation, physicochemical variation, residue mobility, and thermodynamic stability) performed at Invitae indicates that this missense variant is not expected to disrupt CDKN1C protein function. This variant has not been reported in the literature in individuals affected with CDKN1C-related conditions. The frequency data for this variant in the population databases is considered unreliable, as metrics indicate insufficient coverage at this position in the gnomAD database. This sequence change replaces proline, which is neutral and non-polar, with threonine, which is neutral and polar, at codon 162 of the CDKN1C protein (p.Pro162Thr).

NM_001122630.2(CDKN1C):c.451C>A (p.Pro151Thr)

Gene: CDKN1C (cyclin dependent kinase inhibitor 1C; minus strand). Cytogenetic location: 11p15.4.
Variant type: single nucleotide variant.
Coding change: c.451C>A on transcript NM_001122630.2 (MANE Select); coding-DNA position 451, C replaced by A.
Protein change: p.Pro151Thr; replaces proline 151 with threonine.
Molecular consequence: missense variant. On other transcripts: intron variant (1).
Genome position (GRCh38, 1-based): chr11:2,885,006, G>T on the plus strand (C>A on the coding strand, the complement: CDKN1C is on the minus strand). VCF-style: chr11-2885006-G-T. GRCh37 (hg19) VCF-style: chr11-2906236-G-T.
Other names: c.484C>A, p.Pro162Thr (NM_000076.2, NM_001362474.2); c.451C>A, p.Pro151Thr (NM_001122631.2); c.255+196C>A (NM_001362475.2); short protein forms P151T, P162T.
Identifiers: ClinVar variation 2036954 (VCV002036954.5), dbSNP rs1848950080, ClinGen allele CA379146611.